The following is an entry in ClinVar:

ClinVar aggregate classification (germline): Pathogenic (1 of 4 stars; one submission).

Conditions:
Tatton-Brown-Rahman overgrowth syndrome. Also called: Tall stature-intellectual disability-facial dysmorphism syndrome; Tatton-Brown-Rahman syndrome. Identifiers: Orphanet 404443, MedGen C4014545, MONDO:0014382, OMIM 615879.

Submission:

Labcorp Genetics (formerly Invitae), Labcorp
Classification: Pathogenic for Tatton-Brown-Rahman overgrowth syndrome. Last evaluated: 2025-12-26. Review status: criteria provided, single submitter. Criteria: Invitae Variant Classification Sherloc (09022015). Collection method: clinical testing. Allele origin: germline.
Comment: This sequence change creates a premature translational stop signal (p.Ser6Profs*66) in the DNMT3A gene. It is expected to result in an absent or disrupted protein product. Loss-of-function variants in DNMT3A are known to be pathogenic (PMID: 24614070). This variant is not present in population databases (gnomAD no frequency). This variant has not been reported in the literature in individuals affected with DNMT3A-related conditions. For these reasons, this variant has been classified as Pathogenic.

Literature cited by the submitters: PubMed 24614070.

NM_022552.5(DNMT3A):c.15del (p.Ser6fs)

Gene: DNMT3A (DNA methyltransferase 3 alpha; minus strand). Cytogenetic location: 2p23.3.
Variant type: Deletion.
Coding change: c.15del on transcript NM_022552.5 (MANE Select); coding-DNA position 15, one base deleted (C; older notation c.15delC).
Protein change: p.Ser6fs; shifts the reading frame from serine 6.
Molecular consequence: frameshift variant. On other transcripts: non-coding transcript variant (1).
Genome position (GRCh38, 1-based): chr2:25,313,970, G deleted on the plus strand (C on the coding strand, the reverse complement: DNMT3A is on the minus strand); the first of 3 consecutive G bases (chr2:25,313,970-25,313,972); deleting any one gives the same sequence. VCF-style (leftmost placement, unchanged base first): chr2-25313969-AG-A. GRCh37 (hg19) VCF-style: chr2-25536838-AG-A.
Other names: c.15del, p.Ser6fs (NM_001320892.2, NM_175629.2, NM_175630.1); short protein forms S6fs.
Identifiers: ClinVar variation 4734215 (VCV004734215.1).